The following is an entry in ClinVar:

ClinVar aggregate classification (germline): Pathogenic (1 of 4 stars; one submission).

Conditions:
Hypertrophic cardiomyopathy. Also called: HYPERTROPHIC MYOCARDIOPATHY. Identifiers: Orphanet 217569, MedGen C0007194, MeSH D002312, MONDO:0005045, HP:0001639.

Submission:

Labcorp Genetics (formerly Invitae), Labcorp
Classification: Pathogenic for Hypertrophic cardiomyopathy. Last evaluated: 2025-08-30. Review status: criteria provided, single submitter. Criteria: Invitae Variant Classification Sherloc (09022015). Collection method: clinical testing. Allele origin: germline.
Comment: This sequence change creates a premature translational stop signal (p.Glu746*) in the MYBPC3 gene. It is expected to result in an absent or disrupted protein product. Loss-of-function variants in MYBPC3 are known to be pathogenic (PMID: 19574547). This variant is not present in population databases (gnomAD no frequency). This variant has not been reported in the literature in individuals affected with MYBPC3-related conditions. ClinVar contains an entry for this variant (Variation ID: 2864180). For these reasons, this variant has been classified as Pathogenic.

Literature cited by the submitters: PubMed 19574547.

NM_000256.3(MYBPC3):c.2236G>T (p.Glu746Ter)

Gene: MYBPC3 (myosin binding protein C3; minus strand). Cytogenetic location: 11p11.2.
Variant type: single nucleotide variant.
Coding change: c.2236G>T on transcript NM_000256.3 (MANE Select); coding-DNA position 2236, G replaced by T.
Protein change: p.Glu746Ter; replaces glutamic acid 746 with a stop codon.
Molecular consequence: nonsense.
Genome position (GRCh38, 1-based): chr11:47,338,592, C>A on the plus strand (G>T on the coding strand, the complement: MYBPC3 is on the minus strand). VCF-style: chr11-47338592-C-A. GRCh37 (hg19) VCF-style: chr11-47360143-C-A.
Other names: short protein forms E746*.
Identifiers: ClinVar variation 2864180 (VCV002864180.3), dbSNP rs2495752414, ClinGen allele CA380320304.